The following is an entry in ClinVar:

ClinVar aggregate classification (germline): Uncertain significance (1 of 4 stars; one submission).

Submission:

Labcorp Genetics (formerly Invitae), Labcorp
Classification: Uncertain significance. Last evaluated: 2023-08-30. Review status: criteria provided, single submitter. Criteria: Invitae Variant Classification Sherloc (09022015). Collection method: clinical testing. Allele origin: germline.
Comment: ClinVar contains an entry for this variant (Variation ID: 1719706). In summary, the available evidence is currently insufficient to determine the role of this variant in disease. Therefore, it has been classified as a Variant of Uncertain Significance. Advanced modeling of protein sequence and biophysical properties (such as structural, functional, and spatial information, amino acid conservation, physicochemical variation, residue mobility, and thermodynamic stability) performed at Invitae indicates that this missense variant is not expected to disrupt FAT2 protein function. This variant has not been reported in the literature in individuals affected with FAT2-related conditions. This variant is not present in population databases (gnomAD no frequency). This sequence change replaces leucine, which is neutral and non-polar, with methionine, which is neutral and non-polar, at codon 3820 of the FAT2 protein (p.Leu3820Met).

NM_001447.3(FAT2):c.11458C>A (p.Leu3820Met)

Genes: FAT2 (FAT atypical cadherin 2; minus strand), SLC36A1 (solute carrier family 36 member 1; plus strand). Cytogenetic location: 5q33.1.
Variant type: single nucleotide variant.
Coding change: c.11458C>A on transcript NM_001447.3 (MANE Select); coding-DNA position 11458, C replaced by A.
Protein change: p.Leu3820Met; replaces leucine 3820 with methionine.
Molecular consequence: missense variant.
Genome position (GRCh38, 1-based): chr5:151,517,625, G>T on the plus strand (C>A on the coding strand, the complement: FAT2 is on the minus strand). VCF-style: chr5-151517625-G-T. GRCh37 (hg19) VCF-style: chr5-150897186-G-T.
Other names: short protein forms L3820M.
Identifiers: ClinVar variation 1719706 (VCV001719706.5), dbSNP rs2127575689, ClinGen allele CA361822777.
Genomic context (GRCh38, chr5:151,517,625, plus strand): 5'-TACCTCCCCAGCCTGGGACACCCACATGAAATCTCTCAGGCTGGCAGTGCCTTACCTTCA[G>T]GGAGACGGACGCTGTTTCATTGGTGAATAGAAGAATGGCCTGTGGCTGGAGTGTTTTCAG-3'
Protein context (NP_001438.1, residues 3810-3830): LFTNETASVS[Leu3820Met]KLASGVPQLE